The following is an entry in ClinVar:

ClinVar aggregate classification (germline): Pathogenic/Likely pathogenic. Review status: criteria provided, multiple submitters, no conflicts (2 of 4 stars). 7 submissions from 7 submitters: Pathogenic (2); Likely pathogenic (3). 2 of the submissions do not count toward it. Last evaluated 2025-08-11.

Conditions:
FANCD2-related disorders.
Inborn genetic diseases. Identifiers: MedGen C0950123, MeSH D030342.
Fanconi anemia (FA). Also called: Fanconi's anemia. Identifiers: Orphanet 84, MedGen C0015625, MeSH D005199, MONDO:0019391.
Fanconi anemia complementation group D2. Also called: FANCONI PANCYTOPENIA, TYPE 4; FANCONI ANEMIA, COMPLEMENTATION GROUP D; FANCD2-Related Fanconi Anemia. Identifiers: Orphanet 84, MedGen C3160738, MONDO:0009214, OMIM 227646.

Allele frequency attached by ClinVar (database versions not stated): TOPMed 0.00001; ExAC 0.00002; gnomAD 0.00001.
gnomAD v4.1: 30 of 1,613,394 alleles (0.0019%); highest among the groups gnomAD compares: Non-Finnish European, 0.0023%; no homozygotes.

Submissions (7):

Labcorp Genetics (formerly Invitae), Labcorp
Classification: Likely pathogenic for Fanconi anemia. Last evaluated: 2025-08-11. Review status: criteria provided, single submitter. Criteria: Invitae Variant Classification Sherloc (09022015). Collection method: clinical testing. Allele origin: germline.
Comment: This sequence change replaces arginine, which is basic and polar, with histidine, which is basic and polar, at codon 1236 of the FANCD2 protein (p.Arg1236His). This variant is present in population databases (rs121917786, gnomAD 0.003%). This missense change has been observed in individual(s) with Fanconi anemia (PMID: 11239453, 17436244). In at least one individual the data is consistent with being in trans (on the opposite chromosome) from a pathogenic variant. It has also been observed to segregate with disease in related individuals. ClinVar contains an entry for this variant (Variation ID: 12038). Invitae Evidence Modeling of protein sequence and biophysical properties (such as structural, functional, and spatial information, amino acid conservation, physicochemical variation, residue mobility, and thermodynamic stability) indicates that this missense variant is expected to disrupt FANCD2 protein function with a positive predictive value of 80%. Studies have shown that this missense change alters FANCD2 gene expression (PMID: 17436244). Studies have shown that this missense change is associated with inconclusive levels of altered splicing (PMID: 17436244). In summary, the currently available evidence indicates that the variant is pathogenic, but additional data are needed to prove that conclusively. Therefore, this variant has been classified as Likely Pathogenic.

Women's Health and Genetics/Laboratory Corporation of America, LabCorp
Classification: Pathogenic for Fanconi anemia. Last evaluated: 2024-08-22. Review status: criteria provided, single submitter. Criteria: LabCorp Variant Classification Summary - May 2015. Collection method: clinical testing. Allele origin: germline.
Comment: Variant summary: FANCD2 c.3707G>A (p.Arg1236His) results in a non-conservative amino acid change in the encoded protein sequence. Four of five in-silico tools predict a damaging effect of the variant on protein function. The variant allele was found at a frequency of 1.2e-05 in 251190 control chromosomes. c.3707G>A has been reported in the literature in the presumed compound heterozygous or compound heterozygous state in multiple individuals affected with Fanconi Anemia (example, Timmers_2001, Kalb_2007, Chang_2023), including 2 individuals carrying a pathogenic variant in trans. This variant also segregated with disease in at least 1 family (example, Timmers_2001). These data indicate that the variant is likely to be associated with disease. At least one publication reports experimental evidence evaluating an impact on protein function. The most pronounced variant effect results in complete absence of FANCD2 protein in patient-derived cells (example, Timmers_2001). It has been suggested that this variant may also result in a splicing defect, however no data were shown (example, Kalb_2007). The following publications have been ascertained in the context of this evaluation (PMID: 36463940, 17436244, 11239453). ClinVar contains an entry for this variant (Variation ID: 12038). Based on the evidence outlined above, the variant was classified as pathogenic.

Baylor Genetics
Classification: Likely pathogenic for Fanconi anemia complementation group D2. Last evaluated: 2023-09-26. Review status: criteria provided, single submitter. Criteria: ACMG Guidelines, 2015. Collection method: clinical testing. Allele origin: unknown.

Blueprint Genetics
Classification: Likely pathogenic for FANCD2-related disorders. Last evaluated: 2021-05-07. Review status: criteria provided, single submitter. Criteria: ACMG Guidelines, 2015. Collection method: clinical testing. Allele origin: de novo. Affected: yes. Observed: 3 variant alleles.

Ambry Genetics
Classification: Pathogenic for Inborn genetic diseases. Last evaluated: 2019-02-04. Review status: criteria provided, single submitter. Criteria: Ambry exome assertion method (8-5-2015). Collection method: clinical testing. Allele origin: germline. Affected: yes. Observed: 1 variant allele.

Leiden Open Variation Database
Classification: Pathogenic for Fanconi anemia complementation group D2. Last evaluated: 2020-02-28. Review status: no assertion criteria provided. Collection method: curation. Allele origin: germline. Affected: yes. Not counted in ClinVar's aggregate classification.
Comment: Curator: Arleen D. Auerbach. Submitter to LOVD: Arleen D. Auerbach.

OMIM
Classification: Pathogenic for FANCONI ANEMIA, COMPLEMENTATION GROUP D2. Last evaluated: 2001-02-01. Review status: no assertion criteria provided. Collection method: literature only. Allele origin: germline. Not counted in ClinVar's aggregate classification.

Literature cited by the submitters: PubMed 11239453 (cited by 5 submitters); PubMed 17436244 (cited by 3 submitters); PubMed 36463940 (cited by Women's Health and Genetics/Laboratory Corporation of America, LabCorp).

NM_001018115.3(FANCD2):c.3707G>A (p.Arg1236His)

Genes: FANCD2 (FA complementation group D2; plus strand), FANCD2OS (FANCD2 opposite strand; minus strand). Cytogenetic location: 3p25.3.
Variant type: single nucleotide variant.
Coding change: c.3707G>A on transcript NM_001018115.3 (MANE Select); coding-DNA position 3707, G replaced by A.
Protein change: p.Arg1236His; replaces arginine 1236 with histidine.
Molecular consequence: missense variant. On other transcripts: intron variant (1).
Genome position (GRCh38, 1-based): chr3:10,090,315, G>A. VCF-style: chr3-10090315-G-A. GRCh37 (hg19) VCF-style: chr3-10131999-G-A.
Other names: c.3707G>A, p.Arg1236His (NM_001319984.2, NM_001374254.1, NM_033084.6); c.3596G>A, p.Arg1199His (NM_001374253.1); c.*44-8784C>T (NM_173472.2); short protein forms R1236H, R1199H.
Identifiers: ClinVar variation 12038 (VCV000012038.17), dbSNP rs121917786, ClinGen allele CA256193.